The following is an entry in ClinVar:

NM_000179.3(MSH6):c.3149C>G (p.Ala1050Gly)

Gene: MSH6 (mutS homolog 6; plus strand). Cytogenetic location: 2p16.3.
Variant type: single nucleotide variant.
Coding change: c.3149C>G on transcript NM_000179.3 (MANE Select); coding-DNA position 3149, C replaced by G.
Protein change: p.Ala1050Gly; replaces alanine 1050 with glycine.
Molecular consequence: missense variant.
Genome position (GRCh38, 1-based): chr2:47,801,132, C>G. VCF-style: chr2-47801132-C-G. GRCh37 (hg19) VCF-style: chr2-48028271-C-G.
Other names: c.2759C>G, p.Ala920Gly (NM_001281492.2); c.2243C>G, p.Ala748Gly (NM_001281493.2, NM_001281494.2); short protein forms A1050G, A748G, A920G.
Identifiers: ClinVar variation 428347 (VCV000428347.3), dbSNP rs1114167732, ClinGen allele CA346756708.

ClinVar aggregate classification (germline): Uncertain significance (1 of 4 stars; one submission).

Conditions:
Hereditary cancer-predisposing syndrome. Also called: Hereditary Cancer Syndrome; Neoplastic Syndromes, Hereditary; Hereditary neoplastic syndrome; Tumor predisposition. Identifiers: Orphanet 140162, MedGen C0027672, MeSH D009386, MONDO:0015356.

Submission:

Ambry Genetics
Classification: Uncertain significance for Hereditary cancer-predisposing syndrome. Last evaluated: 2013-07-24. Review status: criteria provided, single submitter. Criteria: Ambry Autosomal Dominant and X-Linked criteria (10/2015). Collection method: clinical testing. Allele origin: germline. Observed: 1 variant allele.
Comment: There is insufficient or conflicting evidence for classification of this alteration.